The following is an entry in ClinVar:

ClinVar aggregate classification (germline): Uncertain significance (1 of 4 stars; one submission).

gnomAD v4.1: 1 of 1,614,236 alleles (0.000062%); no homozygotes.

Submission:

Labcorp Genetics (formerly Invitae), Labcorp
Classification: Uncertain significance. Last evaluated: 2022-01-02. Review status: criteria provided, single submitter. Criteria: Invitae Variant Classification Sherloc (09022015). Collection method: clinical testing. Allele origin: germline.
Comment: In summary, the available evidence is currently insufficient to determine the role of this variant in disease. Therefore, it has been classified as a Variant of Uncertain Significance. Algorithms developed to predict the effect of missense changes on protein structure and function (SIFT, PolyPhen-2, Align-GVGD) all suggest that this variant is likely to be tolerated. This variant has not been reported in the literature in individuals affected with SNIP1-related conditions. This variant is not present in population databases (gnomAD no frequency). This sequence change replaces aspartic acid, which is acidic and polar, with glycine, which is neutral and non-polar, at codon 375 of the SNIP1 protein (p.Asp375Gly).

NM_024700.4(SNIP1):c.1124A>G (p.Asp375Gly)

Gene: SNIP1 (Smad nuclear interacting protein 1; minus strand). Cytogenetic location: 1p34.3.
Variant type: single nucleotide variant.
Coding change: c.1124A>G on transcript NM_024700.4 (MANE Select); coding-DNA position 1124, A replaced by G.
Protein change: p.Asp375Gly; replaces aspartic acid 375 with glycine.
Molecular consequence: missense variant.
Genome position (GRCh38, 1-based): chr1:37,537,815, T>C on the plus strand (A>G on the coding strand, the complement: SNIP1 is on the minus strand). VCF-style: chr1-37537815-T-C. GRCh37 (hg19) VCF-style: chr1-38003416-T-C.
Other names: short protein forms D375G.
Identifiers: ClinVar variation 2070723 (VCV002070723.4), dbSNP rs2522339054, ClinGen allele CA339444042.